The following is an entry in ClinVar:

NM_001009931.3(HRNR):c.2793C>A (p.Gly931=)

Genes: CCDST (cervical cancer associated DHX9 suppressive transcript; plus strand), HRNR (hornerin; minus strand). Cytogenetic location: 1q21.3.
Variant type: single nucleotide variant.
Coding change: c.2793C>A on transcript NM_001009931.3 (MANE Select); coding-DNA position 2793, C replaced by A.
Protein change: p.Gly931=; no amino-acid change (glycine 931 retained).
Molecular consequence: synonymous variant.
Genome position (GRCh38, 1-based): chr1:152,218,836, G>T on the plus strand (C>A on the coding strand, the complement: HRNR is on the minus strand). VCF-style: chr1-152218836-G-T. GRCh37 (hg19) VCF-style: chr1-152191312-G-T.
Identifiers: ClinVar variation 3388183 (VCV003388183.14).

ClinVar aggregate classification (germline): Likely benign (1 of 4 stars; one submission).

gnomAD v4.1: 373 of 1,613,754 alleles (0.023%); highest among the groups gnomAD compares: African/African-American, 0.085%; no homozygotes.

Submission:

CeGaT Center for Human Genetics Tuebingen
Classification: Likely benign. Last evaluated: 2024-10-01. Review status: criteria provided, single submitter. Criteria: CeGaT Center For Human Genetics Tuebingen Variant Classification Criteria Version 2. Collection method: clinical testing. Allele origin: germline. Affected: yes. Observed: 1 variant allele.
Comment: HRNR: BP4, BP7